The following is an entry in ClinVar:

ClinVar aggregate classification (germline): Uncertain significance (1 of 4 stars; one submission).

Allele frequency attached by ClinVar (database versions not stated): ExAC 0.00013; 1000 Genomes Project 30x 0.00047; 1000 Genomes Project 0.00060.
gnomAD v4.1: 106 of 1,597,026 alleles (0.0066%); highest among the groups gnomAD compares: East Asian, 0.031%; no homozygotes.

Submission:

Women's Health and Genetics/Laboratory Corporation of America, LabCorp
Classification: Uncertain significance. Last evaluated: 2023-11-17. Review status: criteria provided, single submitter. Criteria: LabCorp Variant Classification Summary - May 2015. Collection method: clinical testing. Allele origin: germline.
Comment: Variant summary: PLA2G7 c.667C>T (p.Arg223Trp) results in a non-conservative amino acid change in the encoded protein sequence. Three of five in-silico tools predict a damaging effect of the variant on protein function. The variant allele was found at a frequency of 0.00012 in 250948 control chromosomes. This frequency does not allow for any conclusion about variant significance. To our knowledge, no occurrence of c.667C>T in individuals affected with Platelet-Activating Factor Acetylhydrolase Deficiency and no experimental evidence demonstrating its impact on protein function have been reported. No submitters have cited clinical-significance assessments for this variant to ClinVar after 2014. Based on the evidence outlined above, the variant was classified as uncertain significance.

NM_005084.4(PLA2G7):c.667C>T (p.Arg223Trp)

Gene: PLA2G7 (phospholipase A2 group VII; minus strand). Cytogenetic location: 6p12.3.
Variant type: single nucleotide variant.
Coding change: c.667C>T on transcript NM_005084.4 (MANE Select); coding-DNA position 667, C replaced by T.
Protein change: p.Arg223Trp; replaces arginine 223 with tryptophan.
Molecular consequence: missense variant.
Genome position (GRCh38, 1-based): chr6:46,710,655, G>A on the plus strand (C>T on the coding strand, the complement: PLA2G7 is on the minus strand). VCF-style: chr6-46710655-G-A. GRCh37 (hg19) VCF-style: chr6-46678392-G-A.
Other names: c.667C>T, p.Arg223Trp (NM_001168357.2); short protein forms R223W.
Identifiers: ClinVar variation 2682606 (VCV002682606.1), dbSNP rs200057649, ClinGen allele CA3840283.